The following is an entry in ClinVar:

ClinVar aggregate classification (germline): Uncertain significance. Review status: criteria provided, multiple submitters, no conflicts (2 of 4 stars). 3 submissions from 3 submitters: Uncertain significance (3). Last evaluated 2025-12-15.

Conditions:
Saldino-Mainzer syndrome (SRTD9). Also called: Renal dysplasia, retinal pigmentary dystrophy, cerebellar ataxia and skeletal dysplasia; SHORT-RIB THORACIC DYSPLASIA 9 WITHOUT POLYDACTYLY; CONORENAL SYNDROME; short-rib thoracic dysplasia 9 with or without polydactyly. Identifiers: Orphanet 140969, MedGen C1849437, MONDO:0009964, OMIM 266920.
Inborn genetic diseases. Identifiers: MedGen C0950123, MeSH D030342.

Allele frequency attached by ClinVar (database versions not stated): TOPMed below 0.00001.

Submissions (3):

Ambry Genetics
Classification: Uncertain significance for Inborn genetic diseases. Last evaluated: 2025-12-15. Review status: criteria provided, single submitter. Criteria: Ambry Variant Classification Scheme 2023. Collection method: clinical testing. Allele origin: germline.

Blueprint Genetics
Classification: Uncertain significance. Last evaluated: 2021-08-24. Review status: criteria provided, single submitter. Criteria: ACMG Guidelines, 2015. Collection method: clinical testing. Allele origin: germline.

Labcorp Genetics (formerly Invitae), Labcorp
Classification: Uncertain significance for Saldino-Mainzer syndrome. Last evaluated: 2019-09-10. Review status: criteria provided, single submitter. Criteria: Invitae Variant Classification Sherloc (09022015). Collection method: clinical testing. Allele origin: germline.
Comment: Algorithms developed to predict the effect of missense changes on protein structure and function are either unavailable or do not agree on the potential impact of this missense change (SIFT: "Deleterious"; PolyPhen-2: "Benign"; Align-GVGD: "Class C0"). In summary, the available evidence is currently insufficient to determine the role of this variant in disease. Therefore, it has been classified as a Variant of Uncertain Significance. This variant has not been reported in the literature in individuals with IFT140-related conditions. This variant is not present in population databases (ExAC no frequency). This sequence change replaces valine with alanine at codon 330 of the IFT140 protein (p.Val330Ala). The valine residue is moderately conserved and there is a small physicochemical difference between valine and alanine.

NM_014714.4(IFT140):c.989T>C (p.Val330Ala)

Genes: IFT140 (intraflagellar transport 140; minus strand), LOC105371046 (uncharacterized LOC105371046; plus strand). Cytogenetic location: 16p13.3.
Variant type: single nucleotide variant.
Coding change: c.989T>C on transcript NM_014714.4 (MANE Select); coding-DNA position 989, T replaced by C.
Protein change: p.Val330Ala; replaces valine 330 with alanine.
Molecular consequence: missense variant.
Genome position (GRCh38, 1-based): chr16:1,587,218, A>G on the plus strand (T>C on the coding strand, the complement: IFT140 is on the minus strand). VCF-style: chr16-1587218-A-G. GRCh37 (hg19) VCF-style: chr16-1637219-A-G.
Other names: short protein forms V330A.
Identifiers: ClinVar variation 962337 (VCV000962337.11), dbSNP rs2034932329, ClinGen allele CA394216706.
Genomic context (GRCh38, chr16:1,587,218, plus strand): 5'-GTTGGTTCTGTTTCTCTTGTGCCAGGCCAGGAAGCCTCACCTTTGACTTTACAGTAACAC[A>G]CACAGTTCATATTCTCTCCTTTCTCAAAGCCAAACTTCTCATCTGGACTCAGTATATAAT-3'
Protein context (NP_055529.2, residues 320-340): GFEKGENMNC[Val330Ala]CYCKVKGLLA